The following is an entry in ClinVar:

ClinVar aggregate classification (germline): Uncertain significance. Review status: criteria provided, multiple submitters, no conflicts (2 of 4 stars). 2 submissions from 2 submitters: Uncertain significance (2). Last evaluated 2026-06-18.

Conditions:
NAGLU-related disorder. Also called: NAGLU-related condition.
Charcot-Marie-Tooth disease axonal type 2V. Also called: CHARCOT-MARIE-TOOTH NEUROPATHY, TYPE 2V; CHARCOT-MARIE-TOOTH DISEASE, AXONAL, AUTOSOMAL DOMINANT, TYPE 2V. Identifiers: Orphanet 447964, MedGen C5569050, MONDO:0014665, OMIM 616491.
Mucopolysaccharidosis, MPS-III-B (MPS3B). Also called: MPS IIIB (Sanfilippo Syndrome Type B); N-ACETYL-ALPHA-D-GLUCOSAMINIDASE DEFICIENCY; NAGLU DEFICIENCY; MUCOPOLYSACCHARIDOSIS, TYPE IIIB; Mucopolysaccharidosis type IIIB (Sanfilippo B); SANFILIPPO SYNDROME B. Identifiers: Orphanet 79270, MedGen C0086648, MONDO:0009656, OMIM 252920.

Allele frequency attached by ClinVar (database versions not stated): gnomAD 0.00002 and 0.00003; gnomAD exomes 0.00004; ExAC 0.00006; TOPMed 0.00001.
gnomAD v4.1: 43 of 1,612,286 alleles (0.0027%); highest among the groups gnomAD compares: East Asian, 0.094%; no homozygotes.

Submissions (2):

PreventionGenetics, part of Exact Sciences
Classification: Uncertain significance for NAGLU-related condition. Last evaluated: 2026-06-18. Review status: criteria provided, single submitter. Criteria: ACMG Guidelines, 2015. Collection method: clinical testing. Allele origin: germline.
Comment: The NAGLU c.1703T>G variant is predicted to result in the amino acid substitution p.Val568Gly. To our knowledge, this variant has not been reported in the literature. This variant is reported in 0.055% of alleles in individuals of East Asian descent in gnomAD. Although we suspect that this variant may be benign, at this time, the clinical significance of this variant is uncertain due to the absence of conclusive functional and genetic evidence.

Labcorp Genetics (formerly Invitae), Labcorp
Classification: Uncertain significance for Charcot-Marie-Tooth disease axonal type 2V; Mucopolysaccharidosis, MPS-III-B. Last evaluated: 2022-10-24. Review status: criteria provided, single submitter. Criteria: Invitae Variant Classification Sherloc (09022015). Collection method: clinical testing. Allele origin: germline.
Comment: This sequence change replaces valine, which is neutral and non-polar, with glycine, which is neutral and non-polar, at codon 568 of the NAGLU protein (p.Val568Gly). This variant is present in population databases (rs777283283, gnomAD 0.06%). This variant has not been reported in the literature in individuals affected with NAGLU-related conditions. ClinVar contains an entry for this variant (Variation ID: 1396788). Advanced modeling of protein sequence and biophysical properties (such as structural, functional, and spatial information, amino acid conservation, physicochemical variation, residue mobility, and thermodynamic stability) performed at Invitae indicates that this missense variant is expected to disrupt NAGLU protein function. In summary, the available evidence is currently insufficient to determine the role of this variant in disease. Therefore, it has been classified as a Variant of Uncertain Significance.

NM_000263.4(NAGLU):c.1703T>G (p.Val568Gly)

Gene: NAGLU (N-acetyl-alpha-glucosaminidase; plus strand). Cytogenetic location: 17q21.2.
Variant type: single nucleotide variant.
Coding change: c.1703T>G on transcript NM_000263.4 (MANE Select); coding-DNA position 1703, T replaced by G.
Protein change: p.Val568Gly; replaces valine 568 with glycine.
Molecular consequence: missense variant.
Genome position (GRCh38, 1-based): chr17:42,543,709, T>G. VCF-style: chr17-42543709-T-G. GRCh37 (hg19) VCF-style: chr17-40695727-T-G.
Other names: c.1703T>G (NM_000263.3); short protein forms V568G.
Identifiers: ClinVar variation 1396788 (VCV001396788.4), dbSNP rs777283283, ClinGen allele CA8577081.